The following is an entry in ClinVar:

ClinVar aggregate classification (germline): Uncertain significance (1 of 4 stars; one submission).

Conditions:
Familial cancer of breast. Also called: Hereditary breast cancer; BREAST CANCER, FAMILIAL; hereditary breast carcinoma. Identifiers: Orphanet 227535, MedGen C0346153, MONDO:0016419, OMIM 114480. Disease mechanism: loss of function.

Submission:

Labcorp Genetics (formerly Invitae), Labcorp
Classification: Uncertain significance for Familial cancer of breast. Last evaluated: 2023-04-11. Review status: criteria provided, single submitter. Criteria: Invitae Variant Classification Sherloc (09022015). Collection method: clinical testing. Allele origin: germline.
Comment: In summary, the available evidence is currently insufficient to determine the role of this variant in disease. Therefore, it has been classified as a Variant of Uncertain Significance. An algorithm developed to predict the effect of missense changes on protein structure and function (PolyPhen-2) suggests that this variant is likely to be disruptive. This variant has not been reported in the literature in individuals affected with CHEK2-related conditions. This variant is not present in population databases (gnomAD no frequency). This sequence change replaces valine, which is neutral and non-polar, with alanine, which is neutral and non-polar, at codon 408 of the CHEK2 protein (p.Val408Ala).

NM_007194.4(CHEK2):c.1223T>C (p.Val408Ala)

Gene: CHEK2 (checkpoint kinase 2; minus strand). Cytogenetic location: 22q12.1.
Variant type: single nucleotide variant.
Coding change: c.1223T>C on transcript NM_007194.4 (MANE Select); coding-DNA position 1223, T replaced by C.
Protein change: p.Val408Ala; replaces valine 408 with alanine.
Molecular consequence: missense variant.
Genome position (GRCh38, 1-based): chr22:28,695,746, A>G on the plus strand (T>C on the coding strand, the complement: CHEK2 is on the minus strand). VCF-style: chr22-28695746-A-G. GRCh37 (hg19) VCF-style: chr22-29091734-A-G.
Other names: c.1352T>C, p.Val451Ala (NM_001005735.3); c.560T>C, p.Val187Ala (NM_001257387.3); c.1022T>C, p.Val341Ala (NM_001349956.3); c.1136T>C, p.Val379Ala (NM_145862.3); short protein forms V341A, V187A, V408A, V451A, V379A.
Identifiers: ClinVar variation 2854949 (VCV002854949.3), dbSNP rs2145802372, ClinGen allele CA411096686.
Genomic context (GRCh38, chr22:28,695,746, plus strand): 5'-TGCAGCAATGAAAATATTTCTTACCAGATAAAAAGAATAACTCCTAAACTCCAGCAGTCC[A>G]CAGCACGGTTATACCCAGCAGTCCCAACAGAAACAAGAACTTCAGGCGCCAAGTAGGTGG-3'
Protein context (NP_009125.1, residues 398-418): SVGTAGYNRA[Val408Ala]DCWSLGVILF